The following is an entry in ClinVar:

NM_018124.4(RFWD3):c.58C>T (p.Gln20Ter)

Gene: RFWD3 (ring finger and WD repeat domain 3; minus strand). Cytogenetic location: 16q23.1.
Variant type: single nucleotide variant.
Coding change: c.58C>T on transcript NM_018124.4 (MANE Select); coding-DNA position 58, C replaced by T.
Protein change: p.Gln20Ter; replaces glutamine 20 with a stop codon.
Molecular consequence: nonsense. On other transcripts: 5 prime UTR variant (4), intron variant (1).
Genome position (GRCh38, 1-based): chr16:74,661,392, G>A on the plus strand (C>T on the coding strand, the complement: RFWD3 is on the minus strand). VCF-style: chr16-74661392-G-A. GRCh37 (hg19) VCF-style: chr16-74695290-G-A.
Other names: c.58C>T, p.Gln20Ter (NM_001370534.1, NM_001370535.1, NM_001370536.1); c.-951C>T (NM_001370537.1); c.-574C>T (NM_001370539.1, NM_001370541.1); c.-828C>T (NM_001370542.1); c.-706C>T (NM_001370543.1); c.-317+3232C>T (NM_001370540.1); short protein forms Q20*.
Identifiers: ClinVar variation 2015956 (VCV002015956.4), dbSNP rs2544145024, ClinGen allele CA396764687.

ClinVar aggregate classification (germline): Uncertain significance (1 of 4 stars; one submission).

Submission:

Labcorp Genetics (formerly Invitae), Labcorp
Classification: Uncertain significance. Last evaluated: 2022-07-11. Review status: criteria provided, single submitter. Criteria: Invitae Variant Classification Sherloc (09022015). Collection method: clinical testing. Allele origin: germline.
Comment: In summary, the available evidence is currently insufficient to determine the role of this variant in disease. Therefore, it has been classified as a Variant of Uncertain Significance. This variant has not been reported in the literature in individuals affected with RFWD3-related conditions. This variant is not present in population databases (gnomAD no frequency). This sequence change creates a premature translational stop signal (p.Gln20*) in the RFWD3 gene. It is expected to result in an absent or disrupted protein product. However, the current clinical and genetic evidence is not sufficient to establish whether loss-of-function variants in RFWD3 cause disease.